The following is an entry in ClinVar:

NM_002691.4(POLD1):c.757C>T (p.Arg253Trp)

Gene: POLD1 (DNA polymerase delta 1, catalytic subunit; plus strand). Cytogenetic location: 19q13.33.
Variant type: single nucleotide variant.
Coding change: c.757C>T on transcript NM_002691.4 (MANE Select); coding-DNA position 757, C replaced by T.
Protein change: p.Arg253Trp; replaces arginine 253 with tryptophan.
Molecular consequence: missense variant. On other transcripts: non-coding transcript variant (1).
Genome position (GRCh38, 1-based): chr19:50,402,372, C>T. VCF-style: chr19-50402372-C-T. GRCh37 (hg19) VCF-style: chr19-50905629-C-T.
Other names: c.757C>T, p.Arg253Trp (NM_001256849.1, NM_001308632.1); c.757C>T (NM_002691.2); short protein forms R253W.
Identifiers: ClinVar variation 573052 (VCV000573052.8), dbSNP rs776204287, ClinGen allele CA9595877.
Genomic context (GRCh38, chr19:50,402,372, plus strand): 5'-GTGGCAGGCCTGGGCACGCCCAGCTTCGCGCCCTACGAGGCCAACGTCGACTTTGAGATC[C>T]GGTACGGCCTCTGCCTCACTTCTCCGGCCTCTATCCCCACCCTCGGGCAGCCCCTGTCCA-3'
Protein context (NP_002682.2, residues 243-263): PYEANVDFEI[Arg253Trp]FMVDTDIVGC

ClinVar aggregate classification (germline): Uncertain significance. Review status: criteria provided, multiple submitters, no conflicts (2 of 4 stars). 3 submissions from 3 submitters: Uncertain significance (3). Last evaluated 2025-05-27.

Conditions:
Hereditary cancer-predisposing syndrome. Also called: Tumor predisposition; Neoplastic Syndromes, Hereditary; Hereditary Cancer Syndrome; Hereditary neoplastic syndrome. Identifiers: Orphanet 140162, MedGen C0027672, MeSH D009386, MONDO:0015356.
POLD1-related polyposis and colorectal cancer syndrome (CRCS10). Also called: Colorectal cancer 10; COLORECTAL CANCER, SUSCEPTIBILITY TO, ON CHROMOSOME 19q; Colorectal cancer, susceptibility to, 10. Identifiers: Orphanet 220460, MedGen C2675481, MONDO:0012953, OMIM 612591.

Allele frequency attached by ClinVar (database versions not stated): gnomAD 0.00001; gnomAD exomes 0.00001; TOPMed 0.00001.

Submissions (3):

Labcorp Genetics (formerly Invitae), Labcorp
Classification: Uncertain significance for POLD1-related polyposis and colorectal cancer syndrome. Last evaluated: 2025-05-27. Review status: criteria provided, single submitter. Criteria: Invitae Variant Classification Sherloc (09022015). Collection method: clinical testing. Allele origin: germline.
Comment: This sequence change replaces arginine, which is basic and polar, with tryptophan, which is neutral and slightly polar, at codon 253 of the POLD1 protein (p.Arg253Trp). This variant is present in population databases (rs776204287, gnomAD 0.002%). This variant has not been reported in the literature in individuals affected with POLD1-related conditions. ClinVar contains an entry for this variant (Variation ID: 573052). An algorithm developed to predict the effect of missense changes on protein structure and function (PolyPhen-2) suggests that this variant is likely to be disruptive. In summary, the available evidence is currently insufficient to determine the role of this variant in disease. Therefore, it has been classified as a Variant of Uncertain Significance.

Ambry Genetics
Classification: Uncertain significance for Hereditary cancer-predisposing syndrome. Last evaluated: 2024-12-06. Review status: criteria provided, single submitter. Criteria: Ambry Variant Classification Scheme 2023. Collection method: clinical testing. Allele origin: germline.
Comment: The p.R253W variant (also known as c.757C>T), located in coding exon 5 of the POLD1 gene, results from a C to T substitution at nucleotide position 757. The arginine at codon 253 is replaced by tryptophan, an amino acid with dissimilar properties. This amino acid position is highly conserved in available vertebrate species. In addition, the in silico prediction for this alteration is inconclusive. Based on the available evidence, the clinical significance of this variant remains unclear.

GeneDx
Classification: Uncertain significance. Last evaluated: 2023-04-24. Review status: criteria provided, single submitter. Criteria: GeneDx Variant Classification Process June 2021. Collection method: clinical testing. Allele origin: germline. Affected: yes.
Comment: Not observed at significant frequency in large population cohorts (gnomAD); In silico analysis supports that this missense variant has a deleterious effect on protein structure/function; Has not been previously published as pathogenic or benign to our knowledge